The following is an entry in ClinVar:

ClinVar aggregate classification (germline): Likely pathogenic (1 of 4 stars; one submission).

Conditions:
Hereditary cancer-predisposing syndrome. Also called: Neoplastic Syndromes, Hereditary; Tumor predisposition; Hereditary neoplastic syndrome; Hereditary Cancer Syndrome. Identifiers: Orphanet 140162, MedGen C0027672, MeSH D009386, MONDO:0015356.

Submission:

Ambry Genetics
Classification: Likely pathogenic for Hereditary cancer-predisposing syndrome. Last evaluated: 2026-07-21. Review status: criteria provided, single submitter. Criteria: Ambry Variant Classification Scheme 2023. Collection method: clinical testing. Allele origin: germline.
Comment: The c.1685-1G>T intronic variant results from a G to T substitution one nucleotide upstream from coding exon 5 of the PALB2 gene. This nucleotide position is highly conserved in available vertebrate species. This variant is considered to be rare based on population cohorts in the Genome Aggregation Database (gnomAD). In silico splice site analysis predicts that this alteration will weaken the native splice acceptor site and may result in the creation or strengthening of a novel splice acceptor site; however, direct evidence is insufficient at this time (Ambry internal data). Alterations that disrupt the canonical splice site are expected to cause aberrant splicing, resulting in an abnormal protein or a transcript that is subject to nonsense-mediated mRNA decay. As such, this alteration is classified as likely pathogenic.

NM_024675.4(PALB2):c.1685-1G>T

Gene: PALB2 (partner and localizer of BRCA2; minus strand). Cytogenetic location: 16p12.2.
Variant type: single nucleotide variant.
Coding change: c.1685-1G>T on transcript NM_024675.4 (MANE Select); the canonical splice acceptor site of the intron before coding-DNA position 1685, G replaced by T.
Molecular consequence: splice acceptor variant. On other transcripts: intron variant (1).
Genome position (GRCh38, 1-based): chr16:23,630,470, C>A on the plus strand (G>T on the coding strand, the complement: PALB2 is on the minus strand). VCF-style: chr16-23630470-C-A. GRCh37 (hg19) VCF-style: chr16-23641791-C-A.
Other names: c.800-1G>T (NM_001407308.1, NM_001407306.1, NM_001407307.1 and 5 more transcripts); c.49-1195G>T (NM_001407314.1); c.-104-1G>T (NM_001407313.1, NM_001407312.1); c.1625-1G>T (NM_001407296.1); c.1685-1G>T (NM_001407297.1, NM_001407302.1, NM_001407298.1 and 3 more transcripts).
Identifiers: ClinVar variation 5026136 (VCV005026136.1).